The following is an entry in ClinVar:

NM_001009999.3(KDM1A):c.56C>G (p.Thr19Ser)

Gene: KDM1A (lysine demethylase 1A; plus strand). Cytogenetic location: 1p36.12.
Variant type: single nucleotide variant.
Coding change: c.56C>G on transcript NM_001009999.3 (MANE Select); coding-DNA position 56, C replaced by G.
Protein change: p.Thr19Ser; replaces threonine 19 with serine.
Molecular consequence: missense variant.
Genome position (GRCh38, 1-based): chr1:23,019,652, C>G. VCF-style: chr1-23019652-C-G. GRCh37 (hg19) VCF-style: chr1-23346145-C-G.
Other names: c.56C>G, p.Thr19Ser (NM_001363654.2, NM_001410762.1, NM_001410763.1 and 1 more transcripts); short protein forms T19S.
Identifiers: ClinVar variation 3532953 (VCV003532953.3).

ClinVar aggregate classification (germline): Conflicting classifications of pathogenicity. Review status: criteria provided, conflicting classifications (1 of 4 stars). 3 submissions from 3 submitters: Uncertain significance (2); Likely benign (1). Last evaluated 2025-10-08.

Conditions:
Inborn genetic diseases. Identifiers: MedGen C0950123, MeSH D030342.

gnomAD v4.1: 6 of 1,409,208 alleles (0.00043%); highest among the groups gnomAD compares: Non-Finnish European, 0.00055%; no homozygotes.

Submissions (3):

Labcorp Genetics (formerly Invitae), Labcorp
Classification: Uncertain significance. Last evaluated: 2025-10-08. Review status: criteria provided, single submitter. Criteria: Invitae Variant Classification Sherloc (09022015). Collection method: clinical testing. Allele origin: germline.
Comment: This sequence change replaces threonine, which is neutral and polar, with serine, which is neutral and polar, at codon 19 of the KDM1A protein (p.Thr19Ser). This variant is present in population databases (no rsID available, gnomAD 0.007%). This variant has not been reported in the literature in individuals affected with KDM1A-related conditions. ClinVar contains an entry for this variant (Variation ID: 3532953). An algorithm developed to predict the effect of missense changes on protein structure and function (PolyPhen-2) suggests that this variant is likely to be tolerated. In summary, the available evidence is currently insufficient to determine the role of this variant in disease. Therefore, it has been classified as a Variant of Uncertain Significance.

Ambry Genetics
Classification: Uncertain significance for Inborn genetic diseases. Last evaluated: 2024-11-28. Review status: criteria provided, single submitter. Criteria: Ambry Variant Classification Scheme 2023. Collection method: clinical testing. Allele origin: germline.
Comment: The p.T19S variant (also known as c.56C>G), located in coding exon 1 of the KDM1A gene, results from a C to G substitution at nucleotide position 56. The threonine at codon 19 is replaced by serine, an amino acid with similar properties. This amino acid position is conserved. In addition, this alteration is predicted to be tolerated by in silico analysis. Based on the available evidence, the clinical significance of this variant remains unclear.

Blueprint Genetics
Classification: Likely benign. Last evaluated: 2023-05-24. Review status: criteria provided, single submitter. Criteria: ACMG Guidelines, 2015. Collection method: clinical testing. Allele origin: germline.